The following is an entry in ClinVar:

NM_014425.5(INVS):c.1051A>C (p.Asn351His)

Gene: INVS (inversin; plus strand). Cytogenetic location: 9q31.1.
Variant type: single nucleotide variant.
Coding change: c.1051A>C on transcript NM_014425.5 (MANE Select); coding-DNA position 1051, A replaced by C.
Protein change: p.Asn351His; replaces asparagine 351 with histidine.
Molecular consequence: missense variant. On other transcripts: non-coding transcript variant (1).
Genome position (GRCh38, 1-based): chr9:100,246,760, A>C. VCF-style: chr9-100246760-A-C. GRCh37 (hg19) VCF-style: chr9-103009042-A-C.
Other names: c.763A>C, p.Asn255His (NM_001318381.2); c.73A>C, p.Asn25His (NM_001318382.2); short protein forms N351H, N25H, N255H.
Identifiers: ClinVar variation 596493 (VCV000596493.6), dbSNP rs1564174503, ClinGen allele CA374363991.

ClinVar aggregate classification (germline): Uncertain significance. Review status: criteria provided, multiple submitters, no conflicts (2 of 4 stars). 2 submissions from 2 submitters: Uncertain significance (2). Last evaluated 2025-05-17.

Conditions:
Nephronophthisis. Also called: Juvenile Nephronophthisis. Identifiers: Orphanet 655, MedGen C0687120, MONDO:0019005, HP:0000090.

Submissions (2):

Labcorp Genetics (formerly Invitae), Labcorp
Classification: Uncertain significance for Nephronophthisis. Last evaluated: 2025-05-17. Review status: criteria provided, single submitter. Criteria: Invitae Variant Classification Sherloc (09022015). Collection method: clinical testing. Allele origin: germline.
Comment: This sequence change replaces asparagine, which is neutral and polar, with histidine, which is basic and polar, at codon 351 of the INVS protein (p.Asn351His). This variant is not present in population databases (gnomAD no frequency). This variant has not been reported in the literature in individuals affected with INVS-related conditions. ClinVar contains an entry for this variant (Variation ID: 596493). An algorithm developed to predict the effect of missense changes on protein structure and function (PolyPhen-2) suggests that this variant is likely to be disruptive. In summary, the available evidence is currently insufficient to determine the role of this variant in disease. Therefore, it has been classified as a Variant of Uncertain Significance.

Eurofins Ntd Llc (ga)
Classification: Uncertain significance. Last evaluated: 2018-04-03. Review status: criteria provided, single submitter. Criteria: EGL ClinVar v180209 classification definitions. Collection method: clinical testing. Allele origin: germline. Observed: 1 variant allele, 1 heterozygote.